The following is an entry in ClinVar:

ClinVar aggregate classification (germline): Uncertain significance (1 of 4 stars; one submission).

Submission:

GeneDx
Classification: Uncertain significance. Last evaluated: 2025-06-26. Review status: criteria provided, single submitter. Criteria: GeneDx Variant Classification Process June 2021. Collection method: clinical testing. Allele origin: germline. Affected: yes.
Comment: Not observed at significant frequency in large population cohorts (gnomAD); In silico analysis suggests that this missense variant does not alter protein structure/function; Has not been previously published as pathogenic or benign to our knowledge

NM_024422.6(DSC2):c.59T>G (p.Leu20Arg)

Genes: DSC2 (desmocollin 2; minus strand), DSCAS (DSC1/DSC2 antisense RNA; plus strand). Cytogenetic location: 18q12.1.
Variant type: single nucleotide variant.
Coding change: c.59T>G on transcript NM_024422.6 (MANE Select); coding-DNA position 59, T replaced by G.
Protein change: p.Leu20Arg; replaces leucine 20 with arginine.
Molecular consequence: missense variant.
Genome position (GRCh38, 1-based): chr18:31,101,913, A>C on the plus strand (T>G on the coding strand, the complement: DSC2 is on the minus strand). VCF-style: chr18-31101913-A-C. GRCh37 (hg19) VCF-style: chr18-28681876-A-C.
Other names: c.59T>G, p.Leu20Arg (NM_004949.5); short protein forms L20R.
Identifiers: ClinVar variation 4539965 (VCV004539965.1).